The following is an entry in ClinVar:

ClinVar aggregate classification (germline): Pathogenic (1 of 4 stars; one submission).

Submission:

GeneDx
Classification: Pathogenic. Last evaluated: 2019-01-29. Review status: criteria provided, single submitter. Criteria: GeneDx Variant Classification (06012015). Collection method: clinical testing. Allele origin: germline. Affected: yes.
Comment: The c.1350_1351delCC pathogenic variant in the ZBTB18 gene causes a frameshift starting with codon Glutamine 451, changes this amino acid to a Valine residue and creates a premature Stop codon at position 49 of the new reading frame, denoted p.Gln451ValfsX49. This frameshift variant in the C-terminus is predicted to result in protein truncation, as the last 81 amino acids are lost and replaced with 48 incorrect amino acids. The c.1350_1351delCC variant is not observed in large population cohorts (Lek et al., 2016). Although this pathogenic variant has not been previously reported to our knowledge, its presence is consistent with the diagnosis of a ZBTB18-related disorder in this individual.

NM_205768.3(ZBTB18):c.1350_1351del (p.Gln451fs)

Gene: ZBTB18 (zinc finger and BTB domain containing 18; plus strand). Cytogenetic location: 1q44.
Variant type: Deletion.
Coding change: c.1350_1351del on transcript NM_205768.3 (MANE Select); coding-DNA positions 1350 to 1351, 2 bases deleted (CC; older notation c.1350_1351delCC).
Protein change: p.Gln451fs; shifts the reading frame from glutamine 451.
Molecular consequence: frameshift variant.
Genome position (GRCh38, 1-based): chr1:244,055,124-244,055,125, CC deleted; deleting any 2 consecutive bases within chr1:244,055,123-244,055,125 gives the same sequence; the c. name uses the placement nearest the transcript's 3' end. VCF-style (leftmost placement, unchanged base first): chr1-244055122-ACC-A. GRCh37 (hg19) VCF-style: chr1-244218424-ACC-A.
Other names: c.1323_1324del, p.Gln442fs (NM_001278196.2); c.1323_1324delCC, p.Gln442Valfs (NM_006352.5); short protein forms Q442fs, Q451fs.
Identifiers: ClinVar variation 817434 (VCV000817434.1), dbSNP rs1572531822, ClinGen allele CA915943703.